The following is an entry in ClinVar:

ClinVar aggregate classification (germline): Uncertain significance (1 of 4 stars; one submission).

Conditions:
Epidermolysis bullosa simplex 3, localized or generalized intermediate, with BP230 deficiency (EBS3). Also called: Epidermolysis bullosa simplex due to BP230 deficiency; Epidermolysis bullosa simplex, autosomal recessive 2. Identifiers: Orphanet 412181, MedGen C3809470, MONDO:0014180, OMIM 615425.
Hereditary sensory and autonomic neuropathy type 6. Also called: Neuropathy, hereditary sensory and autonomic, type VI; HSAN VI. Identifiers: Orphanet 314381, MedGen C3539003, MONDO:0013839, OMIM 614653.

Submission:

Labcorp Genetics (formerly Invitae), Labcorp
Classification: Uncertain significance for Epidermolysis bullosa simplex 3, localized or generalized intermediate, with BP230 deficiency; Hereditary sensory and autonomic neuropathy type 6. Last evaluated: 2021-01-03. Review status: criteria provided, single submitter. Criteria: Invitae Variant Classification Sherloc (09022015). Collection method: clinical testing. Allele origin: germline.
Comment: This sequence change replaces isoleucine with threonine at codon 4586 of the DST protein (p.Ile4586Thr). The DST gene has multiple clinically relevant transcripts. This variant occurs in alternate transcript NM_015548.4, and corresponds to NM_001723.5:c.*138123T>C in the primary transcript. Experimental studies and prediction algorithms are not available or were not evaluated, and the functional significance of this variant is currently unknown. This variant has not been reported in the literature in individuals with DST-related conditions. This variant is not present in population databases (ExAC no frequency). In summary, the available evidence is currently insufficient to determine the role of this variant in disease. Therefore, it has been classified as a Variant of Uncertain Significance.

NM_001374736.1(DST):c.21626T>C (p.Ile7209Thr)

Gene: DST (dystonin; minus strand). Cytogenetic location: 6p12.1.
Variant type: single nucleotide variant.
Coding change: c.21626T>C on transcript NM_001374736.1 (MANE Select); coding-DNA position 21626, T replaced by C.
Protein change: p.Ile7209Thr; replaces isoleucine 7209 with threonine.
Molecular consequence: missense variant.
Genome position (GRCh38, 1-based): chr6:56,477,394, A>G on the plus strand (T>C on the coding strand, the complement: DST is on the minus strand). VCF-style: chr6-56477394-A-G. GRCh37 (hg19) VCF-style: chr6-56342192-A-G.
Other names: c.15269T>C, p.Ile5090Thr (NM_001144769.5); c.14855T>C, p.Ile4952Thr (NM_001144770.2); c.21626T>C, p.Ile7209Thr (NM_001374722.1); c.20666T>C, p.Ile6889Thr (NM_001374729.1); c.14408T>C, p.Ile4803Thr (NM_001374730.1); c.21653T>C, p.Ile7218Thr (NM_001374734.1); c.14735T>C, p.Ile4912Thr (NM_001386100.1, NM_183380.4); c.13757T>C, p.Ile4586Thr (NM_015548.5); short protein forms I4586T, I4803T, I6889T, I7218T, I4912T, I5090T, I4952T, I7209T.
Identifiers: ClinVar variation 1500072 (VCV001500072.6), dbSNP rs2152412006, ClinGen allele CA364511034.